The following is an entry in ClinVar:

NM_006308.3(HSPB3):c.227A>T (p.Asp76Val)

Gene: HSPB3 (heat shock protein family B (small) member 3; plus strand). Cytogenetic location: 5q11.2.
Variant type: single nucleotide variant.
Coding change: c.227A>T on transcript NM_006308.3 (MANE Select); coding-DNA position 227, A replaced by T.
Protein change: p.Asp76Val; replaces aspartic acid 76 with valine.
Molecular consequence: missense variant.
Genome position (GRCh38, 1-based): chr5:54,456,016, A>T. VCF-style: chr5-54456016-A-T. GRCh37 (hg19) VCF-style: chr5-53751846-A-T.
Other names: short protein forms D76V.
Identifiers: ClinVar variation 4738751 (VCV004738751.1).

ClinVar aggregate classification (germline): Uncertain significance (1 of 4 stars; one submission).

Conditions:
Neuronopathy, distal hereditary motor, type 2C. Also called: NEUROPATHY, DISTAL HEREDITARY MOTOR, AUTOSOMAL DOMINANT 4; NEURONOPATHY, DISTAL HEREDITARY MOTOR, HARDING TYPE IIC; NEUROPATHY, DISTAL HEREDITARY MOTOR, HARDING TYPE IIC; HMN IIC. Identifiers: Orphanet 139525, MedGen C3150619, MONDO:0013243, OMIM 613376.

gnomAD v4.1: 10 of 1,614,024 alleles (0.00062%); highest among the groups gnomAD compares: South Asian, 0.011%; no homozygotes.

Submission:

Labcorp Genetics (formerly Invitae), Labcorp
Classification: Uncertain significance for Neuronopathy, distal hereditary motor, type 2C. Last evaluated: 2025-09-08. Review status: criteria provided, single submitter. Criteria: Invitae Variant Classification Sherloc (09022015). Collection method: clinical testing. Allele origin: germline.
Comment: This sequence change replaces aspartic acid, which is acidic and polar, with valine, which is neutral and non-polar, at codon 76 of the HSPB3 protein (p.Asp76Val). This variant is present in population databases (rs768294107, gnomAD 0.02%). This variant has not been reported in the literature in individuals affected with HSPB3-related conditions. An algorithm developed to predict the effect of missense changes on protein structure and function (PolyPhen-2) suggests that this variant is likely to be disruptive. In summary, the available evidence is currently insufficient to determine the role of this variant in disease. Therefore, it has been classified as a Variant of Uncertain Significance.